The following is an entry in ClinVar:

ClinVar aggregate classification (germline): Conflicting classifications of pathogenicity. Review status: criteria provided, conflicting classifications (1 of 4 stars). 2 submissions from 2 submitters: Uncertain significance (1); Likely benign (1). Last evaluated 2024-02-01.

Allele frequency attached by ClinVar (database versions not stated): 1000 Genomes Project 30x 0.00796.

Submissions (2):

CeGaT Center for Human Genetics Tuebingen
Classification: Likely benign. Last evaluated: 2024-02-01. Review status: criteria provided, single submitter. Criteria: CeGaT Center For Human Genetics Tuebingen Variant Classification Criteria Version 2. Collection method: clinical testing. Allele origin: germline. Affected: yes. Observed: 1 variant allele.
Comment: SPATA31A6: BS2

Ambry Genetics
Classification: Uncertain significance. Last evaluated: 2021-07-06. Review status: criteria provided, single submitter. Criteria: Ambry Variant Classification Scheme 2023. Collection method: clinical testing. Allele origin: germline.

NM_001145196.1(SPATA31A6):c.1873G>A (p.Glu625Lys)

Gene: SPATA31A6 (SPATA31 subfamily A member 6; plus strand). Cytogenetic location: 9p11.2.
Variant type: single nucleotide variant.
Coding change: c.1873G>A on transcript NM_001145196.1 (MANE Select); coding-DNA position 1873, G replaced by A.
Protein change: p.Glu625Lys; replaces glutamic acid 625 with lysine.
Molecular consequence: missense variant.
Genome position (GRCh38, 1-based): chr9:42,187,575, G>A. VCF-style: chr9-42187575-G-A. GRCh37 (hg19) VCF-style: chr9-43626814-C-T.
Other names: short protein forms E625K.
Identifiers: ClinVar variation 2344991 (VCV002344991.24), dbSNP rs200619561, ClinGen allele CA5067518.